The following is an entry in ClinVar:

ClinVar aggregate classification (germline): Likely benign. Review status: criteria provided, multiple submitters, no conflicts (2 of 4 stars). 3 submissions from 3 submitters: Likely benign (3). Last evaluated 2025-04-20.

Conditions:
BAP1-related tumor predisposition syndrome (TPDS1). Also called: BAP1 tumor predisposition syndrome; COMMON Syndrome; TUMOR PREDISPOSITION SYNDROME 1; Tumor susceptibility linked to germline BAP1 mutations. Identifiers: Orphanet 289539, MedGen C3280492, MONDO:0013692, OMIM 614327.
Hereditary cancer-predisposing syndrome. Also called: Neoplastic Syndromes, Hereditary; Tumor predisposition; Hereditary Cancer Syndrome; Hereditary neoplastic syndrome. Identifiers: Orphanet 140162, MedGen C0027672, MeSH D009386, MONDO:0015356.

Allele frequency attached by ClinVar (database versions not stated): gnomAD exomes below 0.00001 and 0.00001; TOPMed below 0.00001.
gnomAD v4.1: 4 of 1,613,760 alleles (0.00025%); highest among the groups gnomAD compares: Non-Finnish European, 0.00034%; no homozygotes.

Submissions (3):

Labcorp Genetics (formerly Invitae), Labcorp
Classification: Likely benign for BAP1-related tumor predisposition syndrome. Last evaluated: 2025-04-20. Review status: criteria provided, single submitter. Criteria: Invitae Variant Classification Sherloc (09022015). Collection method: clinical testing. Allele origin: germline.

Myriad Genetics, Inc.
Classification: Likely benign for BAP1-related tumor predisposition syndrome. Last evaluated: 2024-07-12. Review status: criteria provided, single submitter. Criteria: Myriad Autosomal Dominant, Autosomal Recessive and X-Linked Classification Criteria (2023). Collection method: clinical testing. Allele origin: unknown.
Comment: This variant is considered likely benign. This variant is intronic and is not expected to impact mRNA splicing.

Color Diagnostics, LLC DBA Color Health
Classification: Likely benign for Hereditary cancer-predisposing syndrome. Last evaluated: 2016-09-12. Review status: criteria provided, single submitter. Criteria: ACMG Guidelines, 2015. Collection method: clinical testing. Allele origin: germline.

NM_004656.4(BAP1):c.580+8C>T

Gene: BAP1 (BRCA1 associated deubiquitinase 1; minus strand). Cytogenetic location: 3p21.1.
Variant type: single nucleotide variant.
Coding change: c.580+8C>T on transcript NM_004656.4 (MANE Select); 8 bases into the intron after coding-DNA position 580, C replaced by T.
Molecular consequence: intron variant.
Genome position (GRCh38, 1-based): chr3:52,407,166, G>A on the plus strand (C>T on the coding strand, the complement: BAP1 is on the minus strand). VCF-style: chr3-52407166-G-A. GRCh37 (hg19) VCF-style: chr3-52441182-G-A.
Identifiers: ClinVar variation 472706 (VCV000472706.14), dbSNP rs985748596, ClinGen allele CA74743707.